The following is an entry in ClinVar:

NM_000751.3(CHRND):c.710C>T (p.Thr237Ile)

Gene: CHRND (cholinergic receptor nicotinic delta subunit; plus strand). Cytogenetic location: 2q37.1.
Variant type: single nucleotide variant.
Coding change: c.710C>T on transcript NM_000751.3 (MANE Select); coding-DNA position 710, C replaced by T.
Protein change: p.Thr237Ile; replaces threonine 237 with isoleucine.
Molecular consequence: missense variant. On other transcripts: intron variant (1).
Genome position (GRCh38, 1-based): chr2:232,530,029, C>T. VCF-style: chr2-232530029-C-T. GRCh37 (hg19) VCF-style: chr2-233394739-C-T.
Other names: c.665C>T, p.Thr222Ile (NM_001256657.2); c.407C>T, p.Thr136Ile (NM_001311196.2); c.239-1323C>T (NM_001311195.2); short protein forms T136I, T237I, T222I.
Identifiers: ClinVar variation 1941382 (VCV001941382.2), dbSNP rs2469723539, ClinGen allele CA351000848.
Genomic context (GRCh38, chr2:232,530,029, plus strand): 5'-CGGCCAGGGTCAACGTGGACCCCAGAGCCCCTCTGGACAGCCCCAGCCGCCAGGACATCA[C>T]CTTCTACCTCATCATCCGCCGCAAGCCCCTCTTCTACATCATCAACATCCTGGTGCCCTG-3'
Protein context (NP_000742.1, residues 227-247): PLDSPSRQDI[Thr237Ile]FYLIIRRKPL

ClinVar aggregate classification (germline): Uncertain significance (1 of 4 stars; one submission).

Conditions:
Lethal multiple pterygium syndrome (LMPS). Identifiers: Orphanet 33108, MedGen C1854678, MONDO:0009668, OMIM 253290.

Allele frequency attached by ClinVar (database versions not stated): gnomAD exomes below 0.00001.
gnomAD v4.1: 5 of 1,614,108 alleles (0.00031%); highest among the groups gnomAD compares: Non-Finnish European, 0.00042%; no homozygotes.

Submission:

Labcorp Genetics (formerly Invitae), Labcorp
Classification: Uncertain significance for Lethal multiple pterygium syndrome. Last evaluated: 2022-09-17. Review status: criteria provided, single submitter. Criteria: Invitae Variant Classification Sherloc (09022015). Collection method: clinical testing. Allele origin: germline.
Comment: This sequence change replaces threonine, which is neutral and polar, with isoleucine, which is neutral and non-polar, at codon 237 of the CHRND protein (p.Thr237Ile). This variant is not present in population databases (gnomAD no frequency). This variant has not been reported in the literature in individuals affected with CHRND-related conditions. Advanced modeling of protein sequence and biophysical properties (such as structural, functional, and spatial information, amino acid conservation, physicochemical variation, residue mobility, and thermodynamic stability) performed at Invitae indicates that this missense variant is not expected to disrupt CHRND protein function. In summary, the available evidence is currently insufficient to determine the role of this variant in disease. Therefore, it has been classified as a Variant of Uncertain Significance.